The following is an entry in ClinVar:

ClinVar aggregate classification (germline): Conflicting classifications of pathogenicity. Review status: criteria provided, conflicting classifications (1 of 4 stars). 3 submissions from 3 submitters: Uncertain significance (2); Benign (1). Last evaluated 2023-08-24.

Conditions:
Intellectual disability, CASK-related, X-linked. Identifiers: MedGen CN043158.

Allele frequency attached by ClinVar (database versions not stated): gnomAD exomes 0.00001 and below 0.00001; TOPMed below 0.00001; gnomAD 0.00001.
gnomAD v4.1: 3 of 1,186,937 alleles (0.00025%); highest among the groups gnomAD compares: Admixed American, 0.0022%; no homozygotes.

Submissions (3):

Labcorp Genetics (formerly Invitae), Labcorp
Classification: Benign for Intellectual disability, CASK-related, X-linked. Last evaluated: 2023-08-24. Review status: criteria provided, single submitter. Criteria: Invitae Variant Classification Sherloc (09022015). Collection method: clinical testing. Allele origin: germline.

GeneDx
Classification: Uncertain significance. Last evaluated: 2022-07-13. Review status: criteria provided, single submitter. Criteria: GeneDx Variant Classification Process June 2021. Collection method: clinical testing. Allele origin: germline. Affected: yes.
Comment: In silico analysis supports that this missense variant has a deleterious effect on protein structure/function; Has not been previously published as pathogenic or benign to our knowledge

Eurofins Ntd Llc (ga)
Classification: Uncertain significance. Last evaluated: 2013-10-21. Review status: criteria provided, single submitter. Criteria: EGL Classification Definitions 2015. Collection method: clinical testing. Allele origin: germline. Observed: 1 variant allele, 1 hemizygote.

NM_001367721.1(CASK):c.2317C>T (p.His773Tyr)

Gene: CASK (calcium/calmodulin dependent serine protein kinase; minus strand). Cytogenetic location: Xp11.4.
Variant type: single nucleotide variant.
Coding change: c.2317C>T on transcript NM_001367721.1 (MANE Select); coding-DNA position 2317, C replaced by T.
Protein change: p.His773Tyr; replaces histidine 773 with tyrosine.
Molecular consequence: missense variant.
Genome position (GRCh38, 1-based): chrX:41,534,706, G>A on the plus strand (C>T on the coding strand, the complement: CASK is on the minus strand). VCF-style: chrX-41534706-G-A. GRCh37 (hg19) VCF-style: chrX-41393959-G-A.
Other names: c.2233C>T, p.His745Tyr (NM_001126054.3); c.2230C>T, p.His744Tyr (NM_001126055.3); c.2299C>T, p.His767Tyr (NM_001410745.1); c.2302C>T, p.His768Tyr (NM_003688.4); short protein forms H768Y, H744Y, H745Y, H773Y, H767Y.
Identifiers: ClinVar variation 94376 (VCV000094376.14), dbSNP rs398123811, ClinGen allele CA222232.
Genomic context (GRCh38, chrX:41,534,706, plus strand): 5'-TTATAGAGTTAAAAAAGTGATAGGAAAAATATAATGAAAAGAGATTGAGACATTGCTTAC[G>A]TGGAATAGGGTACGCAAACCGGTCTGGGTGCTTTGTGATGAGAGTGTTTTTTATGTGTCT-3'
Protein context (NP_001354650.1, residues 763-783): HPDRFAYPIP[His773Tyr]TTRPPKKDEE